The following is an entry in ClinVar:

NM_201384.3(PLEC):c.12529G>A (p.Glu4177Lys)

Gene: PLEC (plectin; minus strand). Cytogenetic location: 8q24.3.
Variant type: single nucleotide variant.
Coding change: c.12529G>A on transcript NM_201384.3 (MANE Select); coding-DNA position 12529, G replaced by A.
Protein change: p.Glu4177Lys; replaces glutamic acid 4177 with lysine.
Molecular consequence: missense variant.
Genome position (GRCh38, 1-based): chr8:143,917,292, C>T on the plus strand (G>A on the coding strand, the complement: PLEC is on the minus strand). VCF-style: chr8-143917292-C-T. GRCh37 (hg19) VCF-style: chr8-144991460-C-T.
Other names: c.12610G>A, p.Glu4204Lys (NM_000445.5); c.12487G>A, p.Glu4163Lys (NM_201378.4); c.12463G>A, p.Glu4155Lys (NM_201379.3); c.12940G>A, p.Glu4314Lys (NM_201380.4); c.12433G>A, p.Glu4145Lys (NM_201381.3); c.12529G>A, p.Glu4177Lys (NM_201382.4); c.12541G>A, p.Glu4181Lys (NM_201383.3); short protein forms E4163K, E4177K, E4204K, E4145K, E4155K, E4181K, E4314K.
Identifiers: ClinVar variation 681397 (VCV000681397.9), dbSNP rs1554671692, ClinGen allele CA372481044.
Genomic context (GRCh38, chr8:143,917,292, plus strand): 5'-GGTCGATGATCATGGACTTGACCACGCCGTCCGAGGAGGAGATGGTGATCTCCTCCCACT[C>T]GCACTCCTGCTCGGACAGCTCCAGGTACGTCTGGTGGTCAATCAGGCCCTTGCGGTAGGC-3'
Protein context (NP_958786.1, residues 4167-4187): TYLELSEQEC[Glu4177Lys]WEEITISSSD

ClinVar aggregate classification (germline): Conflicting classifications of pathogenicity. Review status: criteria provided, conflicting classifications (1 of 4 stars). 2 submissions from 2 submitters: Uncertain significance (1); Likely benign (1). Last evaluated 2025-07-05.

Conditions:
Epidermolysis bullosa simplex, Ogna type (EBS5A). Also called: Pidermolysis bullosa simplex 5A, Ogna type; EPIDERMOLYSIS BULLOSA SIMPLEX 5A, OGNA TYPE. Identifiers: Orphanet 79401, MedGen C0432317, MONDO:0007555, OMIM 131950.
Epidermolysis bullosa simplex 5C, with pyloric atresia (EBS5C). Also called: PLEC1-Related Epidermolysis Bullosa with Pyloric Atresia; PLEC-Related Epidermolysis Bullosa with Pyloric Atresia; Epidermolysis bullosa simplex with pyloric atresia. Identifiers: Orphanet 158684, MedGen C2677349, MONDO:0012807, OMIM 612138.
Epidermolysis bullosa simplex 5B, with muscular dystrophy (EBS5B). Also called: Epidermolysis bullosa simplex with muscular dystrophy; EPIDERMOLYSIS BULLOSA SIMPLEX AND LIMB-GIRDLE MUSCULAR DYSTROPHY. Identifiers: Orphanet 257, MedGen C2931072, MONDO:0009181, OMIM 226670.
Autosomal recessive limb-girdle muscular dystrophy type 2Q (LGMDR17). Also called: MUSCULAR DYSTROPHY, LIMB-GIRDLE, AUTOSOMAL RECESSIVE 17. Identifiers: Orphanet 254361, MedGen C3150989, MONDO:0013390, OMIM 613723.
Epidermolysis bullosa simplex with nail dystrophy (EBS5D). Identifiers: MedGen C4225309, MONDO:0014661, OMIM 616487.

Allele frequency attached by ClinVar (database versions not stated): gnomAD exomes below 0.00001; TOPMed below 0.00001; gnomAD 0.00001.
gnomAD v4.1: 16 of 1,609,274 alleles (0.00099%); highest among the groups gnomAD compares: East Asian, 0.0022%; no homozygotes.

Submissions (2):

Labcorp Genetics (formerly Invitae), Labcorp
Classification: Uncertain significance for Autosomal recessive limb-girdle muscular dystrophy type 2Q; Epidermolysis bullosa simplex, Ogna type; Epidermolysis bullosa simplex with nail dystrophy; Epidermolysis bullosa simplex 5C, with pyloric atresia; Epidermolysis bullosa simplex 5B, with muscular dystrophy. Last evaluated: 2025-07-05. Review status: criteria provided, single submitter. Criteria: Invitae Variant Classification Sherloc (09022015). Collection method: clinical testing. Allele origin: germline.
Comment: This sequence change replaces glutamic acid, which is acidic and polar, with lysine, which is basic and polar, at codon 4204 of the PLEC protein (p.Glu4204Lys). This variant is present in population databases (no rsID available, gnomAD 0.006%). This variant has not been reported in the literature in individuals affected with PLEC-related conditions. ClinVar contains an entry for this variant (Variation ID: 681397). Invitae Evidence Modeling of protein sequence and biophysical properties (such as structural, functional, and spatial information, amino acid conservation, physicochemical variation, residue mobility, and thermodynamic stability) indicates that this missense variant is not expected to disrupt PLEC protein function with a negative predictive value of 80%. In summary, the available evidence is currently insufficient to determine the role of this variant in disease. Therefore, it has been classified as a Variant of Uncertain Significance.

GeneDx
Classification: Likely benign. Last evaluated: 2018-04-10. Review status: criteria provided, single submitter. Criteria: GeneDx Variant Classification (06012015). Collection method: clinical testing. Allele origin: germline. Affected: yes.
Comment: This variant is considered likely benign or benign based on one or more of the following criteria: it is a conservative change, it occurs at a poorly conserved position in the protein, it is predicted to be benign by multiple in silico algorithms, and/or has population frequency not consistent with disease.